The following is an entry in ClinVar:

ClinVar aggregate classification (germline): Pathogenic/Likely pathogenic. Review status: criteria provided, multiple submitters, no conflicts (2 of 4 stars). 4 submissions from 4 submitters: Pathogenic (1); Likely pathogenic (1). 2 of the submissions do not count toward it. Last evaluated 2026-08-10.

Conditions:
Holoprosencephaly sequence (HPE). Also called: Holoprosencephaly. Identifiers: Orphanet 2162, MedGen C0079541, MONDO:0016296, HP:0001360.
Hypogonadotropic hypogonadism 6 with or without anosmia (HH6). Also called: HYPOGONADOTROPIC HYPOGONADISM 6 WITHOUT ANOSMIA; HYPOGONADOTROPIC HYPOGONADISM 6 WITH ANOSMIA; FGF8-Related GnRH Deficiency (Kallmann Syndrome 6). Identifiers: Orphanet 478, MedGen C3552574, MONDO:0012988, OMIM 612702.

Allele frequency attached by ClinVar (database versions not stated): gnomAD exomes below 0.00001.
gnomAD v4.1: 1 of 1,614,156 alleles (0.000062%); highest among the groups gnomAD compares: Admixed American, 0.0017%; no homozygotes.

Submissions (4):

GeneDx
Classification: Pathogenic. Last evaluated: 2026-08-10. Review status: criteria provided, single submitter. Criteria: GeneDx Variant Classification Process June 2021. Collection method: clinical testing. Allele origin: germline.
Comment: Nonsense variant predicted to result in protein truncation or nonsense mediated decay in a gene for which loss of function is a known mechanism of disease; Not observed at significant frequency in large population cohorts (gnomAD); This variant is associated with the following publications: (PMID: 22378383, 40575596, 27363716, 20463092)

Clinical Genetics Laboratory, Skane University Hospital Lund
Classification: Likely pathogenic. Last evaluated: 2022-05-27. Review status: criteria provided, single submitter. Criteria: ACMG Guidelines, 2015. Collection method: clinical testing. Allele origin: germline. Affected: yes.

OMIM
Classification: Pathogenic for HYPOGONADOTROPIC HYPOGONADISM 6 WITHOUT ANOSMIA. Last evaluated: 2018-12-14. Review status: no assertion criteria provided. Collection method: literature only. Allele origin: germline. Not counted in ClinVar's aggregate classification.

Laboratory of Molecular Genetics, CHU Rennes
Classification: Likely pathogenic for holoprosencephaly. Last evaluated: 2016-04-13. Review status: no assertion criteria provided. Collection method: clinical testing. Allele origin: unknown. Affected: yes. Not counted in ClinVar's aggregate classification.

Literature cited by the submitters: PubMed 20463092 (cited by OMIM).

NM_033163.5(FGF8):c.385C>T (p.Arg129Ter)

Gene: FGF8 (fibroblast growth factor 8; minus strand). Cytogenetic location: 10q24.32.
Variant type: single nucleotide variant.
Coding change: c.385C>T on transcript NM_033163.5 (MANE Select); coding-DNA position 385, C replaced by T.
Protein change: p.Arg129Ter; replaces arginine 129 with a stop codon.
Molecular consequence: nonsense.
Genome position (GRCh38, 1-based): chr10:101,771,522, G>A on the plus strand (C>T on the coding strand, the complement: FGF8 is on the minus strand). VCF-style: chr10-101771522-G-A. GRCh37 (hg19) VCF-style: chr10-103531279-G-A.
Other names: c.73C>T, p.Arg25Ter (NM_001206389.2); c.298C>T, p.Arg100Ter (NM_006119.6); c.352C>T, p.Arg118Ter (NM_033164.4); c.265C>T, p.Arg89Ter (NM_033165.5); short protein forms R129*, R100*, R118*, R25*, R89*.
Identifiers: ClinVar variation 235082 (VCV000235082.9), dbSNP rs876661330, ClinGen allele CA10581219.
Genomic context (GRCh38, chr10:101,771,522, plus strand): 5'-CCTTGGCGATCAGCTTCCCCTTCTTGTTCATGCAGATGTAGAGGCCCGTCTCGGCTCCTC[G>A]GACTCGAACTCTGCTTCCAAAGGTGTCCGTCTCCACGATGAGCTTTGCTGTCAGAGAAGG-3'